The following is an entry in ClinVar:

ClinVar aggregate classification (germline): Benign (1 of 4 stars; one submission).

Submission:

GeneDx
Classification: Benign. Last evaluated: 2018-06-16. Review status: criteria provided, single submitter. Criteria: GeneDx Variant Classification (06012015). Collection method: clinical testing. Allele origin: germline. Affected: yes.
Comment: This variant is considered likely benign or benign based on one or more of the following criteria: it is a conservative change, it occurs at a poorly conserved position in the protein, it is predicted to be benign by multiple in silico algorithms, and/or has population frequency not consistent with disease.

NM_001256545.2(MEGF10):c.219-333GA[3]

Gene: MEGF10 (multiple EGF like domains 10; plus strand). Cytogenetic location: 5q23.2.
Variant type: Microsatellite.
Coding change: c.219-333GA[3] on transcript NM_001256545.2 (MANE Select); three copies in a row of the 2-base unit GA starting at c.219-333; the reference has two copies in a row; one copy, 2 bases duplicated.
Molecular consequence: intron variant.
Genome position (GRCh38, 1-based): chr5:127,340,199-127,340,200, GA duplicated; duplicating any 2 consecutive bases within chr5:127,340,197-127,340,200 gives the same sequence; the position shown is the placement nearest the transcript's 3' end. VCF-style (leftmost placement, unchanged base first): chr5-127340196-T-TGA. GRCh37 (hg19) VCF-style: chr5-126675888-T-TGA.
Other names: c.219-333GA[3] (NM_032446.3, NM_001308119.2, NM_001308121.2).
Identifiers: ClinVar variation 673634 (VCV000673634.1), dbSNP rs147858479, ClinGen allele CA127484590.